The following is an entry in ClinVar:

ClinVar aggregate classification (germline): Uncertain significance (1 of 4 stars; one submission).

Conditions:
STAT3 gain of function. Identifiers: MedGen C4288261.
Hyper-IgE recurrent infection syndrome 1, autosomal dominant. Also called: JOB SYNDROME; Job's Syndrome; STAT3 Hyper IgE Syndrome; Hyper-IgE recurrent infection syndrome 1; HYPER-IgE SYNDROME 1, AUTOSOMAL DOMINANT, WITH RECURRENT INFECTIONS. Identifiers: Orphanet 2314, MedGen C2936739, MONDO:0007818, OMIM 147060.

Submission:

Labcorp Genetics (formerly Invitae), Labcorp
Classification: Uncertain significance for STAT3 gain of function; Hyper-IgE recurrent infection syndrome 1, autosomal dominant. Last evaluated: 2025-04-01. Review status: criteria provided, single submitter. Criteria: Invitae Variant Classification Sherloc (09022015). Collection method: clinical testing. Allele origin: germline.
Comment: This sequence change replaces alanine, which is neutral and non-polar, with glycine, which is neutral and non-polar, at codon 376 of the STAT3 protein (p.Ala376Gly). This variant is not present in population databases (gnomAD no frequency). This variant has not been reported in the literature in individuals affected with STAT3-related conditions. Invitae Evidence Modeling of protein sequence and biophysical properties (such as structural, functional, and spatial information, amino acid conservation, physicochemical variation, residue mobility, and thermodynamic stability) indicates that this missense variant is not expected to disrupt STAT3 protein function with a negative predictive value of 80%. In summary, the available evidence is currently insufficient to determine the role of this variant in disease. Therefore, it has been classified as a Variant of Uncertain Significance.

NM_139276.3(STAT3):c.1127C>G (p.Ala376Gly)

Gene: STAT3 (signal transducer and activator of transcription 3; minus strand). Cytogenetic location: 17q21.2.
Variant type: single nucleotide variant.
Coding change: c.1127C>G on transcript NM_139276.3 (MANE Select); coding-DNA position 1127, C replaced by G.
Protein change: p.Ala376Gly; replaces alanine 376 with glycine.
Molecular consequence: missense variant.
Genome position (GRCh38, 1-based): chr17:42,329,759, G>C on the plus strand (C>G on the coding strand, the complement: STAT3 is on the minus strand). VCF-style: chr17-42329759-G-C. GRCh37 (hg19) VCF-style: chr17-40481777-G-C.
Other names: c.1127C>G, p.Ala376Gly (NM_001369519.1, NM_001369520.1, NM_001384984.1 and 12 more transcripts); c.1049C>G, p.Ala350Gly (NM_001384985.1); c.1142C>G, p.Ala381Gly (NM_001384986.1, NM_001384990.1); c.1031C>G, p.Ala344Gly (NM_001384989.1); c.1067C>G, p.Ala356Gly (NM_001384992.1); short protein forms A350G, A381G, A356G, A376G, A344G.
Identifiers: ClinVar variation 4783463 (VCV004783463.1).